The following is an entry in ClinVar:

ClinVar aggregate classification (germline): Uncertain significance. Review status: criteria provided, multiple submitters, no conflicts (2 of 4 stars). 3 submissions from 3 submitters: Uncertain significance (2). 1 of the submissions does not count toward it. Last evaluated 2022-06-03.

Conditions:
Autosomal recessive limb-girdle muscular dystrophy type 2E (LGMDR4). Also called: MUSCULAR DYSTROPHY, LIMB-GIRDLE, AUTOSOMAL RECESSIVE 4. Identifiers: Orphanet 119, MedGen C1858593, MONDO:0011423, OMIM 604286. Disease mechanism: Affects gamma-sarcoglycan and also disrupts the integrity of the entire sarcoglycan complex..

Allele frequency attached by ClinVar (database versions not stated): gnomAD exomes 0.00001 and 0.00002; TOPMed 0.00001; ExAC 0.00002; ESP Exome Variant Server 0.00008.

Submissions (3):

Labcorp Genetics (formerly Invitae), Labcorp
Classification: Uncertain significance for Autosomal recessive limb-girdle muscular dystrophy type 2E. Last evaluated: 2022-06-03. Review status: criteria provided, single submitter. Criteria: Invitae Variant Classification Sherloc (09022015). Collection method: clinical testing. Allele origin: germline.
Comment: This sequence change replaces leucine, which is neutral and non-polar, with proline, which is neutral and non-polar, at codon 84 of the SGCB protein (p.Leu84Pro). This variant is present in population databases (rs138367908, gnomAD 0.004%). This variant has not been reported in the literature in individuals affected with SGCB-related conditions. ClinVar contains an entry for this variant (Variation ID: 498262). Algorithms developed to predict the effect of missense changes on protein structure and function (SIFT, PolyPhen-2, Align-GVGD) all suggest that this variant is likely to be disruptive. In summary, the available evidence is currently insufficient to determine the role of this variant in disease. Therefore, it has been classified as a Variant of Uncertain Significance.

Eurofins Ntd Llc (ga)
Classification: Uncertain significance. Last evaluated: 2017-01-05. Review status: criteria provided, single submitter. Criteria: EGL Classification Definitions 2015. Collection method: clinical testing. Allele origin: germline. Observed: 1 variant allele, 1 heterozygote.

Natera, Inc.
Classification: Uncertain significance for Limb-girdle muscular dystrophy type 2E. Last evaluated: 2019-11-11. Review status: no assertion criteria provided. Collection method: clinical testing. Allele origin: germline. Not counted in ClinVar's aggregate classification.

NM_000232.5(SGCB):c.251T>C (p.Leu84Pro)

Gene: SGCB (sarcoglycan beta; minus strand). Cytogenetic location: 4q12.
Variant type: single nucleotide variant.
Coding change: c.251T>C on transcript NM_000232.5 (MANE Select); coding-DNA position 251, T replaced by C.
Protein change: p.Leu84Pro; replaces leucine 84 with proline.
Molecular consequence: missense variant.
Genome position (GRCh38, 1-based): chr4:52,029,856, A>G on the plus strand (T>C on the coding strand, the complement: SGCB is on the minus strand). VCF-style: chr4-52029856-A-G. GRCh37 (hg19) VCF-style: chr4-52896022-A-G.
Other names: short protein forms L84P.
Identifiers: ClinVar variation 498262 (VCV000498262.9), dbSNP rs138367908, ClinGen allele CA2918449.